The following is an entry in ClinVar:

ClinVar aggregate classification (germline): Uncertain significance. Review status: criteria provided, multiple submitters, no conflicts (2 of 4 stars). 2 submissions from 2 submitters: Uncertain significance (2). Last evaluated 2025-03-17.

Allele frequency attached by ClinVar (database versions not stated): ESP Exome Variant Server 0.00008.
gnomAD v4.1: 172 of 1,612,314 alleles (0.011%); highest among the groups gnomAD compares: Non-Finnish European, 0.014%; no homozygotes.

Submissions (2):

Labcorp Genetics (formerly Invitae), Labcorp
Classification: Uncertain significance. Last evaluated: 2025-03-17. Review status: criteria provided, single submitter. Criteria: Invitae Variant Classification Sherloc (09022015). Collection method: clinical testing. Allele origin: germline.
Comment: This sequence change replaces valine, which is neutral and non-polar, with methionine, which is neutral and non-polar, at codon 30 of the GNAT1 protein (p.Val30Met). This variant is present in population databases (rs145040990, gnomAD 0.01%). This variant has not been reported in the literature in individuals affected with GNAT1-related conditions. ClinVar contains an entry for this variant (Variation ID: 1357009). Invitae Evidence Modeling of protein sequence and biophysical properties (such as structural, functional, and spatial information, amino acid conservation, physicochemical variation, residue mobility, and thermodynamic stability) indicates that this missense variant is not expected to disrupt GNAT1 protein function with a negative predictive value of 80%. In summary, the available evidence is currently insufficient to determine the role of this variant in disease. Therefore, it has been classified as a Variant of Uncertain Significance.

Blueprint Genetics
Classification: Uncertain significance. Last evaluated: 2023-07-06. Review status: criteria provided, single submitter. Criteria: ACMG Guidelines, 2015. Collection method: clinical testing. Allele origin: germline.

NM_144499.3(GNAT1):c.88G>A (p.Val30Met)

Gene: GNAT1 (G protein subunit alpha transducin 1; plus strand). Cytogenetic location: 3p21.31.
Variant type: single nucleotide variant.
Coding change: c.88G>A on transcript NM_144499.3 (MANE Select); coding-DNA position 88, G replaced by A.
Protein change: p.Val30Met; replaces valine 30 with methionine.
Molecular consequence: missense variant.
Genome position (GRCh38, 1-based): chr3:50,191,813, G>A. VCF-style: chr3-50191813-G-A. GRCh37 (hg19) VCF-style: chr3-50229246-G-A.
Other names: c.88G>A, p.Val30Met (NM_000172.4); short protein forms V30M.
Identifiers: ClinVar variation 1357009 (VCV001357009.7), dbSNP rs145040990, ClinGen allele CA2412436.